The following is an entry in ClinVar:

NM_001048174.2(MUTYH):c.527C>G (p.Thr176Arg)

Gene: MUTYH (mutY DNA glycosylase; minus strand). Cytogenetic location: 1p34.1.
Variant type: single nucleotide variant.
Coding change: c.527C>G on transcript NM_001048174.2 (MANE Select); coding-DNA position 527, C replaced by G.
Protein change: p.Thr176Arg; replaces threonine 176 with arginine.
Molecular consequence: missense variant. On other transcripts: non-coding transcript variant (2).
Genome position (GRCh38, 1-based): chr1:45,332,653, G>C on the plus strand (C>G on the coding strand, the complement: MUTYH is on the minus strand). VCF-style: chr1-45332653-G-C. GRCh37 (hg19) VCF-style: chr1-45798325-G-C.
Other names: c.527C>G, p.Thr176Arg (NM_001048171.2, NM_001048173.2, NM_001293195.2); c.530C>G, p.Thr177Arg (NM_001048172.2); c.611C>G, p.Thr204Arg (NM_001128425.2); c.572C>G, p.Thr191Arg (NM_001293190.2); c.560C>G, p.Thr187Arg (NM_001293191.2); c.251C>G, p.Thr84Arg (NM_001293192.2, NM_001293196.2); c.182C>G, p.Thr61Arg (NM_001350650.2, NM_001350651.2); c.602C>G, p.Thr201Arg (NM_012222.3); and 1 more; short protein forms T176R, T187R, T84R, T201R, T61R, T177R, T191R, T204R.
Identifiers: ClinVar variation 1396900 (VCV001396900.9), dbSNP rs2149151950, ClinGen allele CA340135403.

ClinVar aggregate classification (germline): Uncertain significance. Review status: criteria provided, multiple submitters, no conflicts (2 of 4 stars). 2 submissions from 2 submitters: Uncertain significance (2). Last evaluated 2023-03-23.

Conditions:
Familial adenomatous polyposis 2. Also called: Adenomas, multiple colorectal; MYH-associated polyposis; COLORECTAL ADENOMATOUS POLYPOSIS, AUTOSOMAL RECESSIVE; ADENOMAS, MULTIPLE COLORECTAL, AUTOSOMAL RECESSIVE; FAP type 2; MUTYH Polyposis. Identifiers: Orphanet 220460, Orphanet 247798, MedGen C3272841, MONDO:0012041, OMIM 608456.
Hereditary cancer-predisposing syndrome. Also called: Tumor predisposition; Neoplastic Syndromes, Hereditary; Hereditary Cancer Syndrome; Hereditary neoplastic syndrome. Identifiers: Orphanet 140162, MedGen C0027672, MeSH D009386, MONDO:0015356.

Submissions (2):

Ambry Genetics
Classification: Uncertain significance for Hereditary cancer-predisposing syndrome. Last evaluated: 2023-03-23. Review status: criteria provided, single submitter. Criteria: Ambry Variant Classification Scheme 2023. Collection method: clinical testing. Allele origin: germline.
Comment: The p.T204R variant (also known as c.611C>G), located in coding exon 8 of the MUTYH gene, results from a C to G substitution at nucleotide position 611. The threonine at codon 204 is replaced by arginine, an amino acid with similar properties. This amino acid position is conserved. In addition, this alteration is predicted to be deleterious by in silico analysis. Since supporting evidence is limited at this time, the clinical significance of this alteration remains unclear.

Labcorp Genetics (formerly Invitae), Labcorp
Classification: Uncertain significance for Familial adenomatous polyposis 2. Last evaluated: 2023-02-03. Review status: criteria provided, single submitter. Criteria: Invitae Variant Classification Sherloc (09022015). Collection method: clinical testing. Allele origin: germline.
Comment: This sequence change replaces threonine, which is neutral and polar, with arginine, which is basic and polar, at codon 204 of the MUTYH protein (p.Thr204Arg). This variant is not present in population databases (gnomAD no frequency). This variant has not been reported in the literature in individuals affected with MUTYH-related conditions. ClinVar contains an entry for this variant (Variation ID: 1396900). Algorithms developed to predict the effect of missense changes on protein structure and function (SIFT, PolyPhen-2, Align-GVGD) all suggest that this variant is likely to be disruptive. Algorithms developed to predict the effect of sequence changes on RNA splicing suggest that this variant may disrupt the consensus splice site. In summary, the available evidence is currently insufficient to determine the role of this variant in disease. Therefore, it has been classified as a Variant of Uncertain Significance.